The following is an entry in ClinVar:

ClinVar aggregate classification (germline): Uncertain significance. Review status: criteria provided, multiple submitters, no conflicts (2 of 4 stars). 2 submissions from 2 submitters: Uncertain significance (2). Last evaluated 2026-07-27.

Conditions:
Leukoencephalopathy with vanishing white matter 2 (VWM2). Also called: Leukoencephalopathy with vanishing white matter 2, with or without ovarian failure; EIF2B2-Related Childhood Ataxia with Central Nervous System Hypomyelination/Vanishing White Matter. Identifiers: MedGen C5830404, MONDO:0957870, OMIM 620312.

Submissions (2):

Institute of Human Genetics, University of Leipzig Medical Center
Classification: Uncertain significance for Leukoencephalopathy with vanishing white matter 2. Last evaluated: 2026-07-27. Review status: criteria provided, single submitter. Criteria: ACMG Guidelines, 2015. Collection method: clinical testing. Allele origin: unknown. Inheritance: Autosomal recessive inheritance. Affected: yes.
Comment: Criteria applied: PM2,PM3,PP3; Identified as compund heterozygous with NM_014239.4:c.599G>T

Women's Health and Genetics/Laboratory Corporation of America, LabCorp
Classification: Uncertain significance. Last evaluated: 2025-12-05. Review status: criteria provided, single submitter. Criteria: LabCorp Variant Classification Summary - May 2015. Collection method: clinical testing. Allele origin: germline.
Comment: Variant summary: EIF2B2 c.268C>T (p.Arg90Trp) results in a non-conservative amino acid change in the encoded protein sequence. Algorithms developed to predict the effect of missense changes on protein structure and function all suggest that this variant is likely to be disruptive. The variant was absent in 251058 control chromosomes. The available data on variant occurrences in the general population are insufficient to allow any conclusion about variant significance. c.268C>T has been observed in an individual affected with Leukoencephalopathy With Vanishing White Matter (Kunii_2018). These data do not allow any conclusion about variant significance. To our knowledge, no experimental evidence demonstrating an impact on protein function has been reported. The following publication have been ascertained in the context of this evaluation (PMID: 29700822). No submitters have cited clinical-significance assessments for this variant to ClinVar. Based on the evidence outlined above, the variant was classified as uncertain significance.

Literature cited by the submitters: PubMed 29700822 (cited by Women's Health and Genetics/Laboratory Corporation of America, LabCorp).

NM_014239.4(EIF2B2):c.268C>T (p.Arg90Trp)

Gene: EIF2B2 (eukaryotic translation initiation factor 2B subunit beta; plus strand). Cytogenetic location: 14q24.3.
Variant type: single nucleotide variant.
Coding change: c.268C>T on transcript NM_014239.4 (MANE Select); coding-DNA position 268, C replaced by T.
Protein change: p.Arg90Trp; replaces arginine 90 with tryptophan.
Molecular consequence: missense variant.
Genome position (GRCh38, 1-based): chr14:75,003,379, C>T. VCF-style: chr14-75003379-C-T. GRCh37 (hg19) VCF-style: chr14-75470082-C-T.
Other names: short protein forms R90W.
Identifiers: ClinVar variation 4688528 (VCV004688528.2).